The following is an entry in ClinVar:

ClinVar aggregate classification (germline): Uncertain significance (1 of 4 stars; one submission).

Conditions:
Stormorken syndrome (STRMK). Also called: THROMBOCYTOPATHY, ASPLENIA, AND MIOSIS. Identifiers: Orphanet 3204, MedGen C1861451, MONDO:0008497, OMIM 185070.
Combined immunodeficiency due to STIM1 deficiency. Also called: IMMUNODEFICIENCY 10; STIM1 DEFICIENCY. Identifiers: Orphanet 169090, Orphanet 317430, MedGen C2748557, MONDO:0013008, OMIM 612783.
Myopathy with tubular aggregates (TAM). Also called: Tubular Aggregate Myopathy. Identifiers: Orphanet 2593, MedGen C0410207, MONDO:0008051.

Submission:

Labcorp Genetics (formerly Invitae), Labcorp
Classification: Uncertain significance for Myopathy with tubular aggregates; Combined immunodeficiency due to STIM1 deficiency; Stormorken syndrome. Last evaluated: 2023-05-11. Review status: criteria provided, single submitter. Criteria: Invitae Variant Classification Sherloc (09022015). Collection method: clinical testing. Allele origin: germline.
Comment: This variant has not been reported in the literature in individuals affected with STIM1-related conditions. This variant is not present in population databases (gnomAD no frequency). This sequence change replaces serine, which is neutral and polar, with asparagine, which is neutral and polar, at codon 633 of the STIM1 protein (p.Ser633Asn). Algorithms developed to predict the effect of missense changes on protein structure and function output the following: SIFT: "Not Available"; PolyPhen-2: "Benign"; Align-GVGD: "Not Available". The asparagine amino acid residue is found in multiple mammalian species, which suggests that this missense change does not adversely affect protein function. In summary, the available evidence is currently insufficient to determine the role of this variant in disease. Therefore, it has been classified as a Variant of Uncertain Significance.

NM_001382567.1(STIM1):c.1991G>A (p.Ser664Asn)

Genes: STIM1 (stromal interaction molecule 1; plus strand), LOC124418421 (Sharpr-MPRA regulatory region 9588; plus strand). Cytogenetic location: 11p15.4.
Variant type: single nucleotide variant.
Coding change: c.1991G>A on transcript NM_001382567.1 (MANE Select); coding-DNA position 1991, G replaced by A.
Protein change: p.Ser664Asn; replaces serine 664 with asparagine.
Molecular consequence: missense variant. On other transcripts: non-coding transcript variant (3), 3 prime UTR variant (4).
Genome position (GRCh38, 1-based): chr11:4,091,638, G>A. VCF-style: chr11-4091638-G-A. GRCh37 (hg19) VCF-style: chr11-4112868-G-A.
Other names: c.1418G>A, p.Ser473Asn (NM_001382571.1); c.1676G>A, p.Ser559Asn (NM_001382575.1, NM_001382576.1, NM_001382577.1); c.*312G>A (NM_001382578.1, NM_001382579.1, NM_001382580.1 and 1 more transcripts); c.1409G>A, p.Ser470Asn (NM_001382581.1); c.1898G>A, p.Ser633Asn (NM_003156.4); c.1763G>A, p.Ser588Asn (NM_001382569.1); c.1670G>A, p.Ser557Asn (NM_001382570.1); c.2216G>A, p.Ser739Asn (NM_001277961.3); and 2 more; short protein forms S557N, S559N, S588N, S470N, S665N, S473N, S633N, S640N.
Identifiers: ClinVar variation 2947281 (VCV002947281.3), dbSNP rs2498545764, ClinGen allele CA379197847.